The following is an entry in ClinVar:

ClinVar aggregate classification (germline): Pathogenic/Likely pathogenic. Review status: criteria provided, multiple submitters, no conflicts (2 of 4 stars). 2 submissions from 2 submitters: Pathogenic (1); Likely pathogenic (1). Last evaluated 2022-11-29.

Conditions:
Long QT syndrome (LQTS). Identifiers: MedGen C0023976, MeSH D008133, MONDO:0002442. Disease mechanism: loss of function. Inheritance: Various modes of inheritance.

Submissions (2):

Labcorp Genetics (formerly Invitae), Labcorp
Classification: Likely pathogenic for Long QT syndrome. Last evaluated: 2022-11-29. Review status: criteria provided, single submitter. Criteria: Invitae Variant Classification Sherloc (09022015). Collection method: clinical testing. Allele origin: germline.
Comment: ClinVar contains an entry for this variant (Variation ID: 200826). In summary, the currently available evidence indicates that the variant is pathogenic, but additional data are needed to prove that conclusively. Therefore, this variant has been classified as Likely Pathogenic. This variant disrupts the p.Gly316 amino acid residue in KCNQ1. Other variant(s) that disrupt this residue have been determined to be pathogenic (PMID: 19808498, 20981542). This suggests that this residue is clinically significant, and that variants that disrupt this residue are likely to be disease-causing. Advanced modeling of protein sequence and biophysical properties (such as structural, functional, and spatial information, amino acid conservation, physicochemical variation, residue mobility, and thermodynamic stability) performed at Invitae indicates that this missense variant is expected to disrupt KCNQ1 protein function. This missense change has been observed in individual(s) with clinical features of KCNQ1-related conditions (PMID: 31737537). This variant is not present in population databases (gnomAD no frequency). This sequence change replaces glycine, which is neutral and non-polar, with tryptophan, which is neutral and slightly polar, at codon 316 of the KCNQ1 protein (p.Gly316Trp).

GeneDx
Classification: Pathogenic. Last evaluated: 2013-11-18. Review status: criteria provided, single submitter. Criteria: GeneDx Variant Classification (06012015). Collection method: clinical testing. Allele origin: germline. Affected: yes.
Comment: p.Gly316Trp (GGG>TGG): c.946 G>T in exon 7 of the KCNQ1 gene (NM_000218.2). While the Gly316Trp mutation in the KCNQ1 gene has not been reported to our knowledge, other mutations affecting this same residue, Gly316Val, Gly316Glu, and Gly316Arg, have been reported in association with LQTS. Additionally, mutations in neighboring residues (Tyr315Asn, Tyr315Cys, Asp317Asn, Asp317Tyr) have been reported in association with LQTS, further supporting the functional importance of this residue and this region of the protein. The Gly316Trp variant is a conservative amino substitution as these residues share similar properties, and are least likely to impact secondary structure. However, the Gly316 residue is conserved across species. In silico analysis predicts Gly316Trp is probably damaging to the protein structure/function. Furthermore, Gly316Trp was not observed in approximately 6,500 individuals of European and African American ancestry in the NHLBI Exome Sequencing Project, indicating it is not a common benign variant in these populations. In summary, Gly316Trp in the KCNQ1 gene is interpreted as a likely disease-causing mutation. The variant is found in LQT panel(s).

Literature cited by the submitters: PubMed 19808498 (cited by Labcorp Genetics (formerly Invitae), Labcorp); PubMed 20981542 (cited by Labcorp Genetics (formerly Invitae), Labcorp); PubMed 31737537 (cited by Labcorp Genetics (formerly Invitae), Labcorp).

NM_000218.3(KCNQ1):c.946G>T (p.Gly316Trp)

Gene: KCNQ1 (potassium voltage-gated channel subfamily Q member 1; plus strand). Cytogenetic location: 11p15.5.
Variant type: single nucleotide variant.
Coding change: c.946G>T on transcript NM_000218.3 (MANE Select); coding-DNA position 946, G replaced by T.
Protein change: p.Gly316Trp; replaces glycine 316 with tryptophan.
Molecular consequence: missense variant.
Genome position (GRCh38, 1-based): chr11:2,583,459, G>T. VCF-style: chr11-2583459-G-T. GRCh37 (hg19) VCF-style: chr11-2604689-G-T.
Other names: p.G316W:GGG>TGG; c.946G>T, p.Gly316Trp (NM_001406836.1); c.676G>T, p.Gly226Trp (NM_001406837.1); c.502G>T, p.Gly168Trp (NM_001406838.1); c.565G>T, p.Gly189Trp (NM_181798.2); short protein forms G189W, G316W, G168W, G226W.
Identifiers: ClinVar variation 200826 (VCV000200826.11), dbSNP rs104894255, ClinGen allele CA008840.